The following is an entry in ClinVar:

NM_016169.4(SUFU):c.49G>C (p.Ala17Pro)

Genes: SUFU (SUFU negative regulator of hedgehog signaling; plus strand), LOC130004614 (ATAC-STARR-seq lymphoblastoid silent region 2764; plus strand). Cytogenetic location: 10q24.32.
Variant type: single nucleotide variant.
Coding change: c.49G>C on transcript NM_016169.4 (MANE Select); coding-DNA position 49, G replaced by C.
Protein change: p.Ala17Pro; replaces alanine 17 with proline.
Molecular consequence: missense variant.
Genome position (GRCh38, 1-based): chr10:102,504,201, G>C. VCF-style: chr10-102504201-G-C. GRCh37 (hg19) VCF-style: chr10-104263958-G-C.
Other names: c.49G>C, p.Ala17Pro (NM_001178133.2); short protein forms A17P.
Identifiers: ClinVar variation 1744670 (VCV001744670.4), dbSNP rs1332143456, ClinGen allele CA377886254.
Genomic context (GRCh38, chr10:102,504,201, plus strand): 5'-CTACGCACCCCGATGGCGGAGCTGCGGCCTAGCGGCGCCCCCGGCCCCACCGCGCCCCCG[G>C]CCCCTGGCCCGACTGCCCCCCCGGCCTTCGCTTCGCTCTTTCCCCCGGGACTGCACGCCA-3'
Protein context (NP_057253.2, residues 7-27): SGAPGPTAPP[Ala17Pro]PGPTAPPAFA

ClinVar aggregate classification (germline): Uncertain significance. Review status: criteria provided, multiple submitters, no conflicts (2 of 4 stars). 2 submissions from 2 submitters: Uncertain significance (2). Last evaluated 2025-01-17.

Conditions:
Gorlin syndrome. Also called: Nevoid Basal Cell Carcinoma Syndrome; Basal cell nevus syndrome. Identifiers: Orphanet 377, MedGen C0004779, MONDO:0007187.
Medulloblastoma (MDB). Also called: MEDULLOBLASTOMA PREDISPOSITION SYNDROME; Medulloblastoma, somatic. Identifiers: Orphanet 616, MedGen C0025149, MeSH D008527, MONDO:0007959, OMIM 155255, HP:0002885.
Hereditary cancer-predisposing syndrome. Also called: Neoplastic Syndromes, Hereditary; Tumor predisposition; Hereditary Cancer Syndrome; Hereditary neoplastic syndrome. Identifiers: Orphanet 140162, MedGen C0027672, MeSH D009386, MONDO:0015356.

Allele frequency attached by ClinVar (database versions not stated): gnomAD 0.00001.

Submissions (2):

Labcorp Genetics (formerly Invitae), Labcorp
Classification: Uncertain significance for Gorlin syndrome; Medulloblastoma. Last evaluated: 2025-01-17. Review status: criteria provided, single submitter. Criteria: Invitae Variant Classification Sherloc (09022015). Collection method: clinical testing. Allele origin: germline.
Comment: This sequence change replaces alanine, which is neutral and non-polar, with proline, which is neutral and non-polar, at codon 17 of the SUFU protein (p.Ala17Pro). The frequency data for this variant in the population databases is considered unreliable, as metrics indicate poor data quality at this position in the gnomAD database. This variant has not been reported in the literature in individuals affected with SUFU-related conditions. ClinVar contains an entry for this variant (Variation ID: 1744670). An algorithm developed to predict the effect of missense changes on protein structure and function (PolyPhen-2) suggests that this variant is likely to be disruptive. In summary, the available evidence is currently insufficient to determine the role of this variant in disease. Therefore, it has been classified as a Variant of Uncertain Significance.

Ambry Genetics
Classification: Uncertain significance for Hereditary cancer-predisposing syndrome. Last evaluated: 2022-05-29. Review status: criteria provided, single submitter. Criteria: Ambry Variant Classification Scheme 2023. Collection method: clinical testing. Allele origin: germline.
Comment: The p.A17P variant (also known as c.49G>C), located in coding exon 1 of the SUFU gene, results from a G to C substitution at nucleotide position 49. The alanine at codon 17 is replaced by proline, an amino acid with highly similar properties. This amino acid position is conserved. In addition, the in silico prediction for this alteration is inconclusive. Since supporting evidence is limited at this time, the clinical significance of this alteration remains unclear.